The following is an entry in ClinVar:

NM_005732.4(RAD50):c.1748A>C (p.Lys583Thr)

Gene: RAD50 (RAD50 double strand break repair protein; plus strand). Cytogenetic location: 5q31.1.
Variant type: single nucleotide variant.
Coding change: c.1748A>C on transcript NM_005732.4 (MANE Select); coding-DNA position 1748, A replaced by C.
Protein change: p.Lys583Thr; replaces lysine 583 with threonine.
Molecular consequence: missense variant.
Genome position (GRCh38, 1-based): chr5:132,591,989, A>C. VCF-style: chr5-132591989-A-C. GRCh37 (hg19) VCF-style: chr5-131927681-A-C.
Other names: short protein forms K583T.
Identifiers: ClinVar variation 664207 (VCV000664207.9), dbSNP rs1580994941, ClinGen allele CA360946611.
Genomic context (GRCh38, chr5:132,591,989, plus strand): 5'-TAACCTCACTGTTGGGATATTTTCCCAACAAAAAACAGCTTGAAGACTGGCTACATAGTA[A>C]ATCAAAAGAAATTAATCAGACCAGGGACAGACTTGCCAAATTGAAGTAAGTTGCAACATT-3'
Protein context (NP_005723.2, residues 573-593): KKQLEDWLHS[Lys583Thr]SKEINQTRDR

ClinVar aggregate classification (germline): Uncertain significance (1 of 4 stars; one submission).

Conditions:
Hereditary cancer-predisposing syndrome. Also called: Tumor predisposition; Hereditary neoplastic syndrome; Neoplastic Syndromes, Hereditary; Hereditary Cancer Syndrome. Identifiers: Orphanet 140162, MedGen C0027672, MeSH D009386, MONDO:0015356.

Submission:

Labcorp Genetics (formerly Invitae), Labcorp
Classification: Uncertain significance for Hereditary cancer-predisposing syndrome. Last evaluated: 2018-11-29. Review status: criteria provided, single submitter. Criteria: Invitae Variant Classification Sherloc (09022015). Collection method: clinical testing. Allele origin: germline.
Comment: In summary, the available evidence is currently insufficient to determine the role of this variant in disease. Therefore, it has been classified as a Variant of Uncertain Significance. Algorithms developed to predict the effect of missense changes on protein structure and function are either unavailable or do not agree on the potential impact of this missense change (SIFT: "Tolerated"; PolyPhen-2: "Probably Damaging"; Align-GVGD: "Class C0"). This variant has not been reported in the literature in individuals with RAD50-related disease. This variant is not present in population databases (ExAC no frequency). This sequence change replaces lysine with threonine at codon 583 of the RAD50 protein (p.Lys583Thr). The lysine residue is moderately conserved and there is a moderate physicochemical difference between lysine and threonine.